The following is an entry in ClinVar:

ClinVar aggregate classification (germline): Uncertain significance (1 of 4 stars; one submission).

Conditions:
Glycogen storage disease due to muscle and heart glycogen synthase deficiency. Also called: GSD 0b; MUSCLE GLYCOGEN SYNTHASE DEFICIENCY. Identifiers: Orphanet 137625, MedGen C1969054, MONDO:0012693, OMIM 611556.

Allele frequency attached by ClinVar (database versions not stated): TOPMed below 0.00001; gnomAD 0.00001; gnomAD exomes 0.00001.
gnomAD v4.1: 17 of 1,614,056 alleles (0.0011%); highest among the groups gnomAD compares: Admixed American, 0.0033%; no homozygotes.

Submission:

Labcorp Genetics (formerly Invitae), Labcorp
Classification: Uncertain significance for Glycogen storage disease due to muscle and heart glycogen synthase deficiency. Last evaluated: 2022-03-08. Review status: criteria provided, single submitter. Criteria: Invitae Variant Classification Sherloc (09022015). Collection method: clinical testing. Allele origin: germline.
Comment: Algorithms developed to predict the effect of missense changes on protein structure and function are either unavailable or do not agree on the potential impact of this missense change (SIFT: "Tolerated"; PolyPhen-2: "Probably Damaging"; Align-GVGD: "Class C0"). In summary, the available evidence is currently insufficient to determine the role of this variant in disease. Therefore, it has been classified as a Variant of Uncertain Significance. Algorithms developed to predict the effect of sequence changes on RNA splicing suggest that this variant may create or strengthen a splice site. This variant has not been reported in the literature in individuals affected with GYS1-related conditions. This variant is present in population databases (no rsID available, gnomAD 0.01%). This sequence change replaces arginine, which is basic and polar, with glutamine, which is neutral and polar, at codon 194 of the GYS1 protein (p.Arg194Gln).

NM_002103.5(GYS1):c.581G>A (p.Arg194Gln)

Gene: GYS1 (glycogen synthase 1; minus strand). Cytogenetic location: 19q13.33.
Variant type: single nucleotide variant.
Coding change: c.581G>A on transcript NM_002103.5 (MANE Select); coding-DNA position 581, G replaced by A.
Protein change: p.Arg194Gln; replaces arginine 194 with glutamine.
Molecular consequence: missense variant. On other transcripts: non-coding transcript variant (1).
Genome position (GRCh38, 1-based): chr19:48,985,947, C>T on the plus strand (G>A on the coding strand, the complement: GYS1 is on the minus strand). VCF-style: chr19-48985947-C-T. GRCh37 (hg19) VCF-style: chr19-49489204-C-T.
Other names: c.389G>A, p.Arg130Gln (NM_001161587.2); short protein forms R130Q, R194Q.
Identifiers: ClinVar variation 1405205 (VCV001405205.6), dbSNP rs1044957678, ClinGen allele CA309399603.